The following is an entry in ClinVar:

ClinVar aggregate classification (germline): Conflicting classifications of pathogenicity. Review status: criteria provided, conflicting classifications (1 of 4 stars). 7 submissions from 7 submitters: Likely pathogenic (2); Uncertain significance (4). 1 of the submissions does not count toward it. Last evaluated 2026-07-29.

Conditions:
Familial adenomatous polyposis 2. Also called: Adenomas, multiple colorectal; COLORECTAL ADENOMATOUS POLYPOSIS, AUTOSOMAL RECESSIVE; FAP type 2; MYH-associated polyposis; MUTYH-associated polyposis; MUTYH Polyposis. Identifiers: Orphanet 220460, Orphanet 247798, MedGen C3272841, MONDO:0012041, OMIM 608456.
MUTYH-related disorder. Also called: MUTYH-related condition; MUTYH-related disorders.
Hereditary cancer-predisposing syndrome. Also called: Neoplastic Syndromes, Hereditary; Tumor predisposition; Hereditary Cancer Syndrome; Hereditary neoplastic syndrome. Identifiers: Orphanet 140162, MedGen C0027672, MeSH D009386, MONDO:0015356.

Submissions (7):

Myriad Genetics, Inc.
Classification: Likely pathogenic for Familial adenomatous polyposis 2. Last evaluated: 2026-07-29. Review status: criteria provided, single submitter. Criteria: Myriad Autosomal Dominant, Autosomal Recessive and X-Linked Classification Criteria (2023). Collection method: clinical testing. Allele origin: unknown.
Comment: This variant is considered likely pathogenic. This variant is expected to disrupt protein structure [Myriad internal data]. Functional studies indicate this variant impacts protein function [PMID: 40738107].

PreventionGenetics, part of Exact Sciences
Classification: Uncertain significance for MUTYH-related condition. Last evaluated: 2026-01-13. Review status: criteria provided, single submitter. Criteria: ACMG Guidelines, 2015. Collection method: clinical testing. Allele origin: germline.
Comment: The MUTYH c.917G>A variant is predicted to result in the amino acid substitution p.Cys306Tyr. To our knowledge, this variant has not been reported in the literature or in a large population database (gnomAD) and has been interpreted as a variant of uncertain significance in the ClinVar database (Variation ID: 188158). At this time, the clinical significance of this variant is uncertain due to the absence of conclusive functional and genetic evidence.

Ambry Genetics
Classification: Likely pathogenic for Hereditary cancer-predisposing syndrome. Last evaluated: 2025-08-15. Review status: criteria provided, single submitter. Criteria: Ambry Variant Classification Scheme 2023. Collection method: clinical testing. Allele origin: germline.
Comment: The p.C306Y variant (also known as c.917G>A), located in coding exon 10 of the MUTYH gene, results from a G to A substitution at nucleotide position 917. The cysteine at codon 306 is replaced by tyrosine, an amino acid with highly dissimilar properties. In a massively parallel cell-based functional assay testing 7,8-dihydro-8- oxoguanine:adenine (8OG:A) repair activity, a byproduct of oxidative damage, this variant was reported to be non-functional (Hemker SL et al. Am J Hum Genet. Published online July 29, 2025. DOI: 10.1016/j.ajhg.2025.07.005). This amino acid position is highly conserved in available vertebrate species. In addition, this alteration is predicted to be deleterious by in silico analysis. This variant is considered to be rare based on population cohorts in the Genome Aggregation Database (gnomAD). Based on the majority of available evidence to date, this variant is likely to be pathogenic.

Labcorp Genetics (formerly Invitae), Labcorp
Classification: Uncertain significance for Familial adenomatous polyposis 2. Last evaluated: 2023-11-23. Review status: criteria provided, single submitter. Criteria: Invitae Variant Classification Sherloc (09022015). Collection method: clinical testing. Allele origin: germline.
Comment: This sequence change replaces cysteine, which is neutral and slightly polar, with tyrosine, which is neutral and polar, at codon 306 of the MUTYH protein (p.Cys306Tyr). This variant is not present in population databases (gnomAD no frequency). This variant has not been reported in the literature in individuals affected with MUTYH-related conditions. ClinVar contains an entry for this variant (Variation ID: 188158). An algorithm developed to predict the effect of missense changes on protein structure and function (PolyPhen-2) suggests that this variant is likely to be disruptive. In summary, the available evidence is currently insufficient to determine the role of this variant in disease. Therefore, it has been classified as a Variant of Uncertain Significance.

All of Us Research Program, National Institutes of Health
Classification: Uncertain significance for Familial adenomatous polyposis 2. Last evaluated: 2023-06-26. Review status: criteria provided, single submitter. Criteria: ACMG Guidelines, 2015. Collection method: clinical testing. Allele origin: germline. Inheritance: Autosomal recessive inheritance. Observed: 1 variant allele, 1 heterozygote.
Comment: This missense variant replaces cysteine with tyrosine at codon 306 of the MUTYH protein. Computational prediction suggests that this variant may have deleterious impact on protein structure and function (internally defined REVEL score threshold >= 0.7, PMID: 27666373). To our knowledge, functional studies have not been reported for this variant. This variant has not been reported in individuals affected with hereditary cancer in the literature. This variant has not been identified in the general population by the Genome Aggregation Database (gnomAD). The available evidence is insufficient to determine the role of this variant in disease conclusively. Therefore, this variant is classified as a Variant of Uncertain Significance.

This study involves interpretation of variants in research participants for the purpose of population health screening. Participant phenotype was not available at the time of variant classification. Additional details can be found in publication PMID: 35346344, PMCID: PMC8962531

Baylor Genetics
Classification: Uncertain significance for Familial adenomatous polyposis 2. Last evaluated: 2023-05-24. Review status: criteria provided, single submitter. Criteria: ACMG Guidelines, 2015. Collection method: clinical testing. Allele origin: unknown.

Counsyl
Classification: Uncertain significance for Familial adenomatous polyposis 2. Last evaluated: 2017-08-30. Review status: no assertion criteria provided. Collection method: clinical testing. Allele origin: unknown. Not counted in ClinVar's aggregate classification.

Literature cited by the submitters: PubMed 40738107 (cited by Myriad Genetics, Inc. and Ambry Genetics).

NM_001048174.2(MUTYH):c.833G>A (p.Cys278Tyr)

Gene: MUTYH (mutY DNA glycosylase; minus strand). Cytogenetic location: 1p34.1.
Variant type: single nucleotide variant.
Coding change: c.833G>A on transcript NM_001048174.2 (MANE Select); coding-DNA position 833, G replaced by A.
Protein change: p.Cys278Tyr; replaces cysteine 278 with tyrosine.
Molecular consequence: missense variant. On other transcripts: non-coding transcript variant (2).
Genome position (GRCh38, 1-based): chr1:45,332,182, C>T on the plus strand (G>A on the coding strand, the complement: MUTYH is on the minus strand). VCF-style: chr1-45332182-C-T. GRCh37 (hg19) VCF-style: chr1-45797854-C-T.
Other names: c.833G>A, p.Cys278Tyr (NM_001048171.2, NM_001048173.2, NM_001293195.2); c.836G>A, p.Cys279Tyr (NM_001048172.2); c.917G>A, p.Cys306Tyr (NM_001128425.2); c.878G>A, p.Cys293Tyr (NM_001293190.2); c.866G>A, p.Cys289Tyr (NM_001293191.2); c.557G>A, p.Cys186Tyr (NM_001293192.2, NM_001293196.2); c.488G>A, p.Cys163Tyr (NM_001350650.2, NM_001350651.2); c.908G>A, p.Cys303Tyr (NM_012222.3); short protein forms C306Y, C292Y, C186Y, C289Y, C293Y, C278Y, C279Y, C303Y.
Identifiers: ClinVar variation 188158 (VCV000188158.21), dbSNP rs786204112, ClinGen allele CA014579.